The following is an entry in ClinVar:

NM_000785.4(CYP27B1):c.1499G>A (p.Ser500Asn)

Gene: CYP27B1 (cytochrome P450 family 27 subfamily B member 1; minus strand). Cytogenetic location: 12q14.1.
Variant type: single nucleotide variant.
Coding change: c.1499G>A on transcript NM_000785.4 (MANE Select); coding-DNA position 1499, G replaced by A.
Protein change: p.Ser500Asn; replaces serine 500 with asparagine.
Molecular consequence: missense variant.
Genome position (GRCh38, 1-based): chr12:57,763,170, C>T on the plus strand (G>A on the coding strand, the complement: CYP27B1 is on the minus strand). VCF-style: chr12-57763170-C-T. GRCh37 (hg19) VCF-style: chr12-58156953-C-T.
Other names: short protein forms S500N.
Identifiers: ClinVar variation 2164587 (VCV002164587.6), dbSNP rs371735439, ClinGen allele CA6658111.

ClinVar aggregate classification (germline): Uncertain significance. Review status: criteria provided, multiple submitters, no conflicts (2 of 4 stars). 3 submissions from 3 submitters: Uncertain significance (3). Last evaluated 2026-03-01.

Conditions:
Vitamin D-dependent rickets, type 1A. Also called: PDDR IA; PSEUDOVITAMIN D-DEFICIENCY RICKETS, TYPE IA; VITAMIN D HYDROXYLATION-DEFICIENT RICKETS, TYPE 1A. Identifiers: MedGen CN283242, MONDO:0020723, OMIM 264700.

Allele frequency attached by ClinVar (database versions not stated): ExAC 0.00002; gnomAD exomes 0.00002; gnomAD 0.00003; TOPMed 0.00003; ESP Exome Variant Server 0.00008.

Submissions (3):

CeGaT Center for Human Genetics Tuebingen
Classification: Uncertain significance. Last evaluated: 2026-03-01. Review status: criteria provided, single submitter. Criteria: CeGaT Center For Human Genetics Tuebingen Variant Classification Criteria Version 2. Collection method: clinical testing. Allele origin: germline. Affected: yes. Observed: 1 variant allele.
Comment: CYP27B1: PM2, BP4

Fulgent Genetics
Classification: Uncertain significance for Vitamin D-dependent rickets, type 1A. Last evaluated: 2024-03-19. Review status: criteria provided, single submitter. Criteria: ACMG Guidelines, 2015. Collection method: clinical testing. Allele origin: germline.

Labcorp Genetics (formerly Invitae), Labcorp
Classification: Uncertain significance. Last evaluated: 2022-09-13. Review status: criteria provided, single submitter. Criteria: Invitae Variant Classification Sherloc (09022015). Collection method: clinical testing. Allele origin: germline.
Comment: This sequence change replaces serine, which is neutral and polar, with asparagine, which is neutral and polar, at codon 500 of the CYP27B1 protein (p.Ser500Asn). This variant is present in population databases (rs371735439, gnomAD 0.006%). This variant has not been reported in the literature in individuals affected with CYP27B1-related conditions. Advanced modeling of protein sequence and biophysical properties (such as structural, functional, and spatial information, amino acid conservation, physicochemical variation, residue mobility, and thermodynamic stability) performed at Invitae indicates that this missense variant is not expected to disrupt CYP27B1 protein function. In summary, the available evidence is currently insufficient to determine the role of this variant in disease. Therefore, it has been classified as a Variant of Uncertain Significance.